The following is an entry in ClinVar:

NM_005633.4(SOS1):c.511-9_511-6del

Gene: SOS1 (SOS Ras/Rac guanine nucleotide exchange factor 1; minus strand). Cytogenetic location: 2p22.1.
Variant type: Deletion.
Coding change: c.511-9_511-6del on transcript NM_005633.4 (MANE Select); 9 bases into the intron before coding-DNA position 511 through 6 bases into the intron before coding-DNA position 511, 4 bases deleted (ACTG; older notation c.511-9_511-6delACTG).
Molecular consequence: intron variant.
Genome position (GRCh38, 1-based): chr2:39,054,829-39,054,832, CAGT deleted on the plus strand (ACTG on the coding strand, the reverse complement: SOS1 is on the minus strand); deleting any 4 consecutive bases within chr2:39,054,829-39,054,835 gives the same sequence; the c. name uses the placement nearest the transcript's 3' end. VCF-style (leftmost placement, unchanged base first): chr2-39054828-ACAGT-A. GRCh37 (hg19) VCF-style: chr2-39281969-ACAGT-A.
Other names: c.490-9_490-6del (NM_001382394.1); c.511-9_511-6del (NM_001382395.1); c.511-9_511-6delACTG (NM_005633.3).
Identifiers: ClinVar variation 544013 (VCV000544013.12), dbSNP rs986512473, ClinGen allele CA46013335.

ClinVar aggregate classification (germline): Likely benign. Review status: criteria provided, multiple submitters, no conflicts (2 of 4 stars). 5 submissions from 4 submitters: Likely benign (4). 1 of the submissions does not count toward it. Last evaluated 2025-11-28.

Conditions:
RASopathy. Also called: Noonan spectrum disorder; rasopathies. Identifiers: Orphanet 536391, MedGen C5555857, MONDO:0021060.
SOS1-related disorder. Also called: SOS1-related condition.
Noonan syndrome 4 (NS4). Also called: SOS1-Related Noonan Syndrome; NOONAN SYNDROME WITH PIGMENTED VILLONODULAR SYNOVITIS. Identifiers: Orphanet 648, MedGen C1853120, MONDO:0012547, OMIM 610733.
Fibromatosis, gingival, 1 (GINGF1). Identifiers: Orphanet 2024, MedGen C4551558, MONDO:0007609, OMIM 135300.

Submissions (5):

Labcorp Genetics (formerly Invitae), Labcorp
Classification: Likely benign for RASopathy. Last evaluated: 2025-11-28. Review status: criteria provided, single submitter. Criteria: Invitae Variant Classification Sherloc (09022015). Collection method: clinical testing. Allele origin: germline.

GeneDx
Classification: Likely benign. Last evaluated: 2019-11-13. Review status: criteria provided, single submitter. Criteria: GeneDx Variant Classification Process June 2021. Collection method: clinical testing. Allele origin: germline. Affected: yes.

Genome-Nilou Lab
Classification: Likely benign for Noonan syndrome 4. Review status: criteria provided, single submitter. Criteria: ACMG Guidelines, 2015. Collection method: clinical testing. Allele origin: germline.

Genome-Nilou Lab
Classification: Likely benign for Fibromatosis, gingival, 1. Review status: criteria provided, single submitter. Criteria: ACMG Guidelines, 2015. Collection method: clinical testing. Allele origin: germline.

PreventionGenetics, part of Exact Sciences
Classification: Likely benign for SOS1-related condition. Last evaluated: 2019-05-15. Review status: no assertion criteria provided. Collection method: clinical testing. Allele origin: germline. Not counted in ClinVar's aggregate classification.
Comment: This variant is classified as likely benign based on ACMG/AMP sequence variant interpretation guidelines (Richards et al. 2015 PMID: 25741868, with internal and published modifications).